The following is an entry in ClinVar:

ClinVar aggregate classification (germline): Uncertain significance (1 of 4 stars; one submission).

Conditions:
Hereditary cancer-predisposing syndrome. Also called: Neoplastic Syndromes, Hereditary; Tumor predisposition; Hereditary Cancer Syndrome; Hereditary neoplastic syndrome. Identifiers: Orphanet 140162, MedGen C0027672, MeSH D009386, MONDO:0015356.

Submission:

Ambry Genetics
Classification: Uncertain significance for Hereditary cancer-predisposing syndrome. Last evaluated: 2020-11-24. Review status: criteria provided, single submitter. Criteria: Ambry Variant Classification Scheme 2023. Collection method: clinical testing. Allele origin: germline.
Comment: The p.N355H variant (also known as c.1063A>C), located in coding exon 7 of the MSH3 gene, results from an A to C substitution at nucleotide position 1063. The asparagine at codon 355 is replaced by histidine, an amino acid with similar properties. This amino acid position is not well conserved in available vertebrate species. In addition, this alteration is predicted to be tolerated by in silico analysis. Since supporting evidence is limited at this time, the clinical significance of this alteration remains unclear.

NM_002439.5(MSH3):c.1063A>C (p.Asn355His)

Gene: MSH3 (mutS homolog 3; plus strand). Cytogenetic location: 5q14.1.
Variant type: single nucleotide variant.
Coding change: c.1063A>C on transcript NM_002439.5 (MANE Select); coding-DNA position 1063, A replaced by C.
Protein change: p.Asn355His; replaces asparagine 355 with histidine.
Molecular consequence: missense variant.
Genome position (GRCh38, 1-based): chr5:80,675,018, A>C. VCF-style: chr5-80675018-A-C. GRCh37 (hg19) VCF-style: chr5-79970837-A-C.
Other names: short protein forms N355H.
Identifiers: ClinVar variation 1780914 (VCV001780914.2), dbSNP rs751448831, ClinGen allele CA360267942.